The following is an entry in ClinVar:

ClinVar aggregate classification (germline): Likely benign (1 of 4 stars; one submission).

gnomAD v4.1: 1 of 1,614,220 alleles (0.000062%); highest among the groups gnomAD compares: Admixed American, 0.0017%; no homozygotes.

Submission:

CeGaT Center for Human Genetics Tuebingen
Classification: Likely benign. Last evaluated: 2025-12-01. Review status: criteria provided, single submitter. Criteria: CeGaT Center For Human Genetics Tuebingen Variant Classification Criteria Version 2. Collection method: clinical testing. Allele origin: germline. Affected: yes. Observed: 1 variant allele.
Comment: DDX23: BP4, BP7

NM_004818.3(DDX23):c.2169G>A (p.Val723=)

Gene: DDX23 (DEAD-box helicase 23; minus strand). Cytogenetic location: 12q13.12.
Variant type: single nucleotide variant.
Coding change: c.2169G>A on transcript NM_004818.3 (MANE Select); coding-DNA position 2169, G replaced by A.
Protein change: p.Val723=; no amino-acid change (valine 723 retained).
Molecular consequence: synonymous variant.
Genome position (GRCh38, 1-based): chr12:48,831,212, C>T on the plus strand (G>A on the coding strand, the complement: DDX23 is on the minus strand). VCF-style: chr12-48831212-C-T. GRCh37 (hg19) VCF-style: chr12-49224995-C-T.
Identifiers: ClinVar variation 4822894 (VCV004822894.4).